The following is an entry in ClinVar:

NM_006445.4(PRPF8):c.6834G>A (p.Ser2278=)

Gene: PRPF8 (pre-mRNA processing factor 8; minus strand). Cytogenetic location: 17p13.3.
Variant type: single nucleotide variant.
Coding change: c.6834G>A on transcript NM_006445.4 (MANE Select); coding-DNA position 6834, G replaced by A.
Protein change: p.Ser2278=; no amino-acid change (serine 2278 retained).
Molecular consequence: synonymous variant.
Genome position (GRCh38, 1-based): chr17:1,651,127, C>T on the plus strand (G>A on the coding strand, the complement: PRPF8 is on the minus strand). VCF-style: chr17-1651127-C-T. GRCh37 (hg19) VCF-style: chr17-1554421-C-T.
Identifiers: ClinVar variation 321871 (VCV000321871.46), dbSNP rs147050234, ClinGen allele CA8271089.

ClinVar aggregate classification (germline): Benign/Likely benign. Review status: criteria provided, multiple submitters, no conflicts (2 of 4 stars). 4 submissions from 4 submitters: Benign (2); Likely benign (2). Last evaluated 2026-04-01.

Conditions:
Retinitis pigmentosa (RP). Identifiers: Orphanet 791, MedGen C0035334, MeSH D012174, MONDO:0019200, OMIM 268000. Inheritance: Autosomal dominant, autosomal recessive and X linked inheritance.

Allele frequency attached by ClinVar (database versions not stated): ESP Exome Variant Server 0.00062; TOPMed 0.00067; gnomAD exomes 0.00075; ExAC 0.00076; gnomAD 0.00076.
gnomAD v4.1: 1,743 of 1,614,128 alleles (0.11%); highest among the groups gnomAD compares: Non-Finnish European, 0.13%; 2 homozygotes.

Submissions (4):

CeGaT Center for Human Genetics Tuebingen
Classification: Likely benign. Last evaluated: 2026-04-01. Review status: criteria provided, single submitter. Criteria: CeGaT Center For Human Genetics Tuebingen Variant Classification Criteria Version 2. Collection method: clinical testing. Allele origin: germline. Affected: yes. Observed: 2 variant alleles.
Comment: PRPF8: BP4, BP7

Labcorp Genetics (formerly Invitae), Labcorp
Classification: Benign. Last evaluated: 2025-11-16. Review status: criteria provided, single submitter. Criteria: Invitae Variant Classification Sherloc (09022015). Collection method: clinical testing. Allele origin: germline.

Blueprint Genetics
Classification: Benign. Last evaluated: 2024-11-18. Review status: criteria provided, single submitter. Criteria: ACMG Guidelines, 2015. Collection method: clinical testing. Allele origin: germline.

Illumina Laboratory Services, Illumina
Classification: Likely benign for Retinitis pigmentosa. Last evaluated: 2018-01-12. Review status: criteria provided, single submitter. Criteria: ICSL Variant Classification Criteria 13 December 2019. Collection method: clinical testing. Allele origin: germline.
Comment: This variant was observed in the ICSL laboratory as part of a predisposition screen in an ostensibly healthy population. It had not been previously curated by ICSL or reported in the Human Gene Mutation Database (HGMD: prior to June 1st, 2018), and was therefore a candidate for classification through an automated scoring system. Utilizing variant allele frequency, disease prevalence and penetrance estimates, and inheritance mode, an automated score was calculated to assess if this variant is too frequent to cause the disease. Based on the score and internal cut-off values, a variant classified as likely benign is not then subjected to further curation. The score for this variant resulted in a classification of likely benign for this disease.